The following is an entry in ClinVar:

NM_012414.4(RAB3GAP2):c.3340G>A (p.Asp1114Asn)

Gene: RAB3GAP2 (RAB3 GTPase activating non-catalytic protein subunit 2; minus strand). Cytogenetic location: 1q41.
Variant type: single nucleotide variant.
Coding change: c.3340G>A on transcript NM_012414.4 (MANE Select); coding-DNA position 3340, G replaced by A.
Protein change: p.Asp1114Asn; replaces aspartic acid 1114 with asparagine.
Molecular consequence: missense variant.
Genome position (GRCh38, 1-based): chr1:220,157,485, C>T on the plus strand (G>A on the coding strand, the complement: RAB3GAP2 is on the minus strand). VCF-style: chr1-220157485-C-T. GRCh37 (hg19) VCF-style: chr1-220330827-C-T.
Other names: short protein forms D1114N.
Identifiers: ClinVar variation 1308323 (VCV001308323.7), dbSNP rs150704362, ClinGen allele CA1402138.

ClinVar aggregate classification (germline): Uncertain significance. Review status: criteria provided, multiple submitters, no conflicts (2 of 4 stars). 3 submissions from 3 submitters: Uncertain significance (3). Last evaluated 2024-10-22.

Conditions:
Inborn genetic diseases. Identifiers: MedGen C0950123, MeSH D030342.
Warburg micro syndrome 2 (WARBM2). Also called: MICRO SYNDROME 2. Identifiers: Orphanet 2510, MedGen C3280214, MONDO:0013641, OMIM 614225.
Martsolf syndrome (MARTS). Also called: Congenital cataract with intellectual disability and hypogonadotropic hypogonadism syndrome. Identifiers: Orphanet 1387, MedGen C0796037, MONDO:0023910.

Allele frequency attached by ClinVar (database versions not stated): gnomAD exomes 0.00002 and 0.00005; ExAC 0.00007; ESP Exome Variant Server 0.00015; gnomAD 0.00019 and 0.00020; TOPMed 0.00020; 1000 Genomes Project 0.00060; 1000 Genomes Project 30x 0.00062.
gnomAD v4.1: 61 of 1,613,068 alleles (0.0038%); highest among the groups gnomAD compares: African/African-American, 0.071%; no homozygotes.

Submissions (3):

Labcorp Genetics (formerly Invitae), Labcorp
Classification: Uncertain significance for Martsolf syndrome; Warburg micro syndrome 2. Last evaluated: 2024-10-22. Review status: criteria provided, single submitter. Criteria: Invitae Variant Classification Sherloc (09022015). Collection method: clinical testing. Allele origin: germline.
Comment: This sequence change replaces aspartic acid, which is acidic and polar, with asparagine, which is neutral and polar, at codon 1114 of the RAB3GAP2 protein (p.Asp1114Asn). This variant is present in population databases (rs150704362, gnomAD 0.06%). This variant has not been reported in the literature in individuals affected with RAB3GAP2-related conditions. ClinVar contains an entry for this variant (Variation ID: 1308323). Invitae Evidence Modeling of protein sequence and biophysical properties (such as structural, functional, and spatial information, amino acid conservation, physicochemical variation, residue mobility, and thermodynamic stability) indicates that this missense variant is not expected to disrupt RAB3GAP2 protein function with a negative predictive value of 80%. In summary, the available evidence is currently insufficient to determine the role of this variant in disease. Therefore, it has been classified as a Variant of Uncertain Significance.

Ambry Genetics
Classification: Uncertain significance for Inborn genetic diseases. Last evaluated: 2023-08-28. Review status: criteria provided, single submitter. Criteria: Ambry Variant Classification Scheme 2023. Collection method: clinical testing. Allele origin: germline.

GeneDx
Classification: Uncertain significance. Last evaluated: 2019-03-29. Review status: criteria provided, single submitter. Criteria: GeneDx Variant Classification Process June 2021. Collection method: clinical testing. Allele origin: germline. Affected: yes.
Comment: In silico analysis, which includes protein predictors and evolutionary conservation, supports a deleterious effect; Has not been previously published as pathogenic or benign to our knowledge